The following is an entry in ClinVar:

NM_001166108.2(PALLD):c.2101-3T>C

Genes: CBR4 (carbonyl reductase 4; minus strand), PALLD (palladin, cytoskeletal associated protein; plus strand). Cytogenetic location: 4q32.3.
Variant type: single nucleotide variant.
Coding change: c.2101-3T>C on transcript NM_001166108.2 (MANE Select); 3 bases into the intron before coding-DNA position 2101, T replaced by C.
Molecular consequence: intron variant.
Genome position (GRCh38, 1-based): chr4:168,894,576, T>C. VCF-style: chr4-168894576-T-C. GRCh37 (hg19) VCF-style: chr4-169815727-T-C.
Other names: c.2101-3T>C (NM_016081.4); c.955-3T>C (NM_001166109.2); c.640-3T>C (NM_001166110.2); c.-21-3T>C (NM_001367570.1, NM_001367568.1, NM_001367567.1 and 1 more transcripts).
Identifiers: ClinVar variation 1473795 (VCV001473795.6), dbSNP rs1350140320, ClinGen allele CA790732371.

ClinVar aggregate classification (germline): Uncertain significance (1 of 4 stars; one submission).

Conditions:
Pancreatic adenocarcinoma. Identifiers: MedGen C0281361, MONDO:0006047, HP:0006725.

Allele frequency attached by ClinVar (database versions not stated): gnomAD 0.00001; TOPMed 0.00001.

Submission:

Labcorp Genetics (formerly Invitae), Labcorp
Classification: Uncertain significance for Pancreatic adenocarcinoma. Last evaluated: 2021-11-06. Review status: criteria provided, single submitter. Criteria: Invitae Variant Classification Sherloc (09022015). Collection method: clinical testing. Allele origin: germline.
Comment: This sequence change falls in intron 3 of the PALLD gene. It does not directly change the encoded amino acid sequence of the PALLD protein. It affects a nucleotide within the consensus splice site. In summary, the available evidence is currently insufficient to determine the role of this variant in disease. Therefore, it has been classified as a Variant of Uncertain Significance. Variants that disrupt the consensus splice site are a relatively common cause of aberrant splicing (PMID: 17576681, 9536098). Algorithms developed to predict the effect of sequence changes on RNA splicing suggest that this variant may create or strengthen a splice site. This variant has not been reported in the literature in individuals affected with PALLD-related conditions. This variant is not present in population databases (gnomAD no frequency).

Literature cited by the submitters: PubMed 17576681; PubMed 9536098.